The following is an entry in ClinVar:

NM_019892.6(INPP5E):c.1160-12C>T

Gene: INPP5E (inositol polyphosphate-5-phosphatase E; minus strand). Cytogenetic location: 9q34.3.
Variant type: single nucleotide variant.
Coding change: c.1160-12C>T on transcript NM_019892.6 (MANE Select); 12 bases into the intron before coding-DNA position 1160, C replaced by T.
Molecular consequence: intron variant.
Genome position (GRCh38, 1-based): chr9:136,433,087, G>A on the plus strand (C>T on the coding strand, the complement: INPP5E is on the minus strand). VCF-style: chr9-136433087-G-A. GRCh37 (hg19) VCF-style: chr9-139327539-G-A.
Other names: c.1160-12C>T (NM_001318502.2).
Identifiers: ClinVar variation 2139496 (VCV002139496.4), dbSNP rs1452216040, ClinGen allele CA2580081256.

ClinVar aggregate classification (germline): Uncertain significance (1 of 4 stars; one submission).

Conditions:
Joubert syndrome. Also called: CEREBELLOPARENCHYMAL DISORDER IV; JOUBERT-BOLTSHAUSER SYNDROME; Familial aplasia of the vermis. Identifiers: Orphanet 475, MedGen C5979921, MONDO:0018772.

gnomAD v4.1: 2 of 1,608,302 alleles (0.00012%); highest among the groups gnomAD compares: Non-Finnish European, 0.00017%; no homozygotes.

Submission:

Labcorp Genetics (formerly Invitae), Labcorp
Classification: Uncertain significance for Joubert syndrome. Last evaluated: 2022-05-21. Review status: criteria provided, single submitter. Criteria: Invitae Variant Classification Sherloc (09022015). Collection method: clinical testing. Allele origin: germline.
Comment: In summary, the available evidence is currently insufficient to determine the role of this variant in disease. Therefore, it has been classified as a Variant of Uncertain Significance. Algorithms developed to predict the effect of sequence changes on RNA splicing suggest that this variant may disrupt the consensus splice site. This variant has not been reported in the literature in individuals affected with INPP5E-related conditions. This variant is not present in population databases (gnomAD no frequency). This sequence change falls in intron 4 of the INPP5E gene. It does not directly change the encoded amino acid sequence of the INPP5E protein.